The following is an entry in ClinVar:

NM_001122630.2(CDKN1C):c.695A>C (p.His232Pro)

Gene: CDKN1C (cyclin dependent kinase inhibitor 1C; minus strand). Cytogenetic location: 11p15.4.
Variant type: single nucleotide variant.
Coding change: c.695A>C on transcript NM_001122630.2 (MANE Select); coding-DNA position 695, A replaced by C.
Protein change: p.His232Pro; replaces histidine 232 with proline.
Molecular consequence: missense variant. On other transcripts: intron variant (1).
Genome position (GRCh38, 1-based): chr11:2,884,762, T>G on the plus strand (A>C on the coding strand, the complement: CDKN1C is on the minus strand). VCF-style: chr11-2884762-T-G. GRCh37 (hg19) VCF-style: chr11-2905992-T-G.
Other names: c.728A>C, p.His243Pro (NM_000076.2, NM_001362474.2); c.695A>C, p.His232Pro (NM_001122631.2); c.255+440A>C (NM_001362475.2); short protein forms H243P, H232P.
Identifiers: ClinVar variation 2850914 (VCV002850914.3), dbSNP rs2494384206, ClinGen allele CA379145694.

ClinVar aggregate classification (germline): Uncertain significance (1 of 4 stars; one submission).

Conditions:
Beckwith-Wiedemann syndrome (BWS). Also called: Exomphalos macroglossia gigantism syndrome; EMG SYNDROME. Identifiers: Orphanet 116, MedGen C0004903, MONDO:0007534, OMIM 130650.

Submission:

Labcorp Genetics (formerly Invitae), Labcorp
Classification: Uncertain significance for Beckwith-Wiedemann syndrome. Last evaluated: 2023-07-17. Review status: criteria provided, single submitter. Criteria: Invitae Variant Classification Sherloc (09022015). Collection method: clinical testing. Allele origin: germline.
Comment: In summary, the available evidence is currently insufficient to determine the role of this variant in disease. Therefore, it has been classified as a Variant of Uncertain Significance. Advanced modeling of protein sequence and biophysical properties (such as structural, functional, and spatial information, amino acid conservation, physicochemical variation, residue mobility, and thermodynamic stability) performed at Invitae indicates that this missense variant is not expected to disrupt CDKN1C protein function. This variant has not been reported in the literature in individuals affected with CDKN1C-related conditions. This variant is not present in population databases (gnomAD no frequency). This sequence change replaces histidine, which is basic and polar, with proline, which is neutral and non-polar, at codon 243 of the CDKN1C protein (p.His243Pro).